The following is an entry in ClinVar:

NM_004260.4(RECQL4):c.2452del (p.Leu818fs)

Gene: RECQL4 (RecQ like helicase 4; minus strand). Cytogenetic location: 8q24.3.
Variant type: Deletion.
Coding change: c.2452del on transcript NM_004260.4 (MANE Select); coding-DNA position 2452, one base deleted (C; older notation c.2452delC).
Protein change: p.Leu818fs; shifts the reading frame from leucine 818.
Molecular consequence: frameshift variant. On other transcripts: non-coding transcript variant (3), intron variant (3).
Genome position (GRCh38, 1-based): chr8:144,513,229, G deleted on the plus strand (C on the coding strand, the reverse complement: RECQL4 is on the minus strand); the first of 2 consecutive G bases (chr8:144,513,229-144,513,230); deleting either gives the same sequence. VCF-style (leftmost placement, unchanged base first): chr8-144513228-AG-A. GRCh37 (hg19) VCF-style: chr8-145738611-AG-A.
Other names: c.2452del, p.Leu818fs (NM_001413019.1, NM_001413036.1); c.2356del, p.Leu786fs (NM_001413020.1); c.1381del, p.Leu461fs (NM_001413021.1, NM_001413022.1, NM_001413023.1 and 5 more transcripts); c.2323del, p.Leu775fs (NM_001413025.1); c.1315del, p.Leu439fs (NM_001413027.1, NM_001413030.1, NM_001413032.1 and 1 more transcripts); c.2101del, p.Leu701fs (NM_001413029.1); c.1183del, p.Leu395fs (NM_001413031.1); c.2320del, p.Leu774fs (NM_001413033.1); and 7 more; short protein forms L786fs, L451fs, L774fs, L808fs, L329fs, L395fs, L439fs, L701fs.
Identifiers: ClinVar variation 4703114 (VCV004703114.2).

ClinVar aggregate classification (germline): Pathogenic/Likely pathogenic. Review status: criteria provided, multiple submitters, no conflicts (2 of 4 stars). 2 submissions from 2 submitters: Pathogenic (1); Likely pathogenic (1). Last evaluated 2025-04-29.

Conditions:
Baller-Gerold syndrome (BGS). Also called: CRANIOSYNOSTOSIS WITH RADIAL DEFECTS. Identifiers: Orphanet 1225, MedGen C0265308, MONDO:0009039, OMIM 218600.
RECQL4-related disorder. Also called: RECQL4-related condition; RECQL4-related disorders.

Submissions (2):

Labcorp Genetics (formerly Invitae), Labcorp
Classification: Pathogenic for Baller-Gerold syndrome. Last evaluated: 2025-04-29. Review status: criteria provided, single submitter. Criteria: Invitae Variant Classification Sherloc (09022015). Collection method: clinical testing. Allele origin: germline.
Comment: This sequence change creates a premature translational stop signal (p.Leu818Cysfs*25) in the RECQL4 gene. It is expected to result in an absent or disrupted protein product. Loss-of-function variants in RECQL4 are known to be pathogenic (PMID: 12734318, 12952869). This variant is not present in population databases (gnomAD no frequency). This variant has not been reported in the literature in individuals affected with RECQL4-related conditions. For these reasons, this variant has been classified as Pathogenic.

Blueprint Genetics
Classification: Likely pathogenic for RECQL4-related disorders. Last evaluated: 2023-10-13. Review status: criteria provided, single submitter. Criteria: ACMG Guidelines, 2015. Collection method: clinical testing. Allele origin: germline. Affected: yes. Observed: 1 variant allele.

Literature cited by the submitters: PubMed 12734318 (cited by Labcorp Genetics (formerly Invitae), Labcorp); PubMed 12952869 (cited by Labcorp Genetics (formerly Invitae), Labcorp).